The following is an entry in ClinVar:

NM_000038.6(APC):c.1958+423T>G

Gene: APC (APC regulator of WNT signaling pathway; plus strand). Cytogenetic location: 5q22.2.
Variant type: single nucleotide variant.
Coding change: c.1958+423T>G on transcript NM_000038.6 (MANE Select); 423 bases into the intron after coding-DNA position 1958, T replaced by G.
Molecular consequence: intron variant.
Genome position (GRCh38, 1-based): chr5:112,835,588, T>G. VCF-style: chr5-112835588-T-G. GRCh37 (hg19) VCF-style: chr5-112171285-T-G.
Other names: c.1958+423T>G (NM_001354895.2, NM_001127510.3); c.1988+423T>G (NM_001354897.2); c.1685+423T>G (NM_001354902.2); c.1904+423T>G (NM_001127511.3); c.1883+423T>G (NM_001354898.2); c.1580+423T>G (NM_001354904.2); c.1109+423T>G (NM_001354906.2); c.2012+423T>G (NM_001354896.2); and 5 more.
Identifiers: ClinVar variation 82618 (VCV000082618.2), dbSNP rs75350935, ClinGen allele CA006666.
Genomic context (GRCh38, chr5:112,835,588, plus strand): 5'-AAGGTTCACATTTTTCTAATGATGTCTTAGTATCCATAATAATAATTTTTTTTTTTTTTT[T>G]TTGAGACAGGGTCTCACTCTGTCTCCCAGACTGGAGGGCAGTGTTGTGATCTTGGCTCAC-3'

ClinVar aggregate classification (germline): other (0 of 4 stars; one submission).

Conditions:
Familial colorectal cancer. Identifiers: MedGen CN280943, MONDO:0023113. Disease mechanism: loss of function.

Submission:

Systems Biology Platform Zhejiang California International NanoSystems Institute
Classification: other for Familial colorectal cancer. Review status: no assertion criteria provided. Collection method: not provided. Allele origin: unknown.
ClinVar note: Converted during submission from cancer to other.